The following is an entry in ClinVar:

ClinVar aggregate classification (germline): Conflicting classifications of pathogenicity. Review status: criteria provided, conflicting classifications (1 of 4 stars). 2 submissions from 2 submitters: Uncertain significance (1); Likely benign (1). Last evaluated 2025-11-12.

Conditions:
Inborn genetic diseases. Identifiers: MedGen C0950123, MeSH D030342.
Immunodeficiency 14 (IMD14A). Also called: ACTIVATED PI3K-DELTA SYNDROME 1; Activated PI3K Delta Syndrome Type 1 (APDS1); p110-DELTA-ACTIVATING MUTATION CAUSING SENESCENT T CELLS, LYMPHADENOPATHY, AND IMMUNODEFICIENCY; IMMUNODEFICIENCY 14A WITH LYMPHOPROLIFERATION, AUTOSOMAL DOMINANT. Identifiers: Orphanet 397596, Orphanet 693661, MedGen C5907821, MONDO:0014222, OMIM 615513.

Allele frequency attached by ClinVar (database versions not stated): ExAC 0.00001; gnomAD exomes 0.00001; gnomAD 0.00002; TOPMed 0.00002.
gnomAD v4.1: 20 of 1,614,040 alleles (0.0012%); highest among the groups gnomAD compares: Admixed American, 0.0017%; no homozygotes.

Submissions (2):

Labcorp Genetics (formerly Invitae), Labcorp
Classification: Uncertain significance for Activated PI3K-delta syndrome. Last evaluated: 2025-11-12. Review status: criteria provided, single submitter. Criteria: Invitae Variant Classification Sherloc (09022015). Collection method: clinical testing. Allele origin: germline.
Comment: This sequence change replaces valine, which is neutral and non-polar, with alanine, which is neutral and non-polar, at codon 21 of the PIK3CD protein (p.Val21Ala). This variant is present in population databases (rs770275584, gnomAD 0.003%). This variant has not been reported in the literature in individuals affected with PIK3CD-related conditions. ClinVar contains an entry for this variant (Variation ID: 1352150). An algorithm developed to predict the effect of missense changes on protein structure and function outputs the following: PolyPhen-2: "Benign". The alanine amino acid residue is found in multiple mammalian species, which suggests that this missense change does not adversely affect protein function. In summary, the available evidence is currently insufficient to determine the role of this variant in disease. Therefore, it has been classified as a Variant of Uncertain Significance.

Ambry Genetics
Classification: Likely benign for Inborn genetic diseases. Last evaluated: 2025-05-15. Review status: criteria provided, single submitter. Criteria: Ambry Variant Classification Scheme 2023. Collection method: clinical testing. Allele origin: germline.

NM_005026.5(PIK3CD):c.62T>C (p.Val21Ala)

Gene: PIK3CD (phosphatidylinositol-4,5-bisphosphate 3-kinase catalytic subunit delta; plus strand). Cytogenetic location: 1p36.22.
Variant type: single nucleotide variant.
Coding change: c.62T>C on transcript NM_005026.5 (MANE Select); coding-DNA position 62, T replaced by C.
Protein change: p.Val21Ala; replaces valine 21 with alanine.
Molecular consequence: missense variant.
Genome position (GRCh38, 1-based): chr1:9,710,517, T>C. VCF-style: chr1-9710517-T-C. GRCh37 (hg19) VCF-style: chr1-9770575-T-C.
Other names: c.62T>C, p.Val21Ala (NM_001350234.2, NM_001350235.1); c.62T>C (NM_005026.3); short protein forms V21A.
Identifiers: ClinVar variation 1352150 (VCV001352150.7), dbSNP rs770275584, ClinGen allele CA576769.